The following is an entry in ClinVar:

ClinVar aggregate classification (germline): Uncertain significance. Review status: criteria provided, multiple submitters, no conflicts (2 of 4 stars). 5 submissions from 5 submitters: Uncertain significance (5). Last evaluated 2025-11-24.

Conditions:
Inborn genetic diseases. Identifiers: MedGen C0950123, MeSH D030342.
Refsum disease, classic. Also called: HEREDOPATHIA ATACTICA POLYNEURITIFORMIS; HMSN IV; PHYTANIC ACID OXIDASE DEFICIENCY; PHYH-Related Refsum Disease. Identifiers: Orphanet 773, MedGen C5780941, MONDO:1060256, OMIM 266500. Disease mechanism: loss of function.

Allele frequency attached by ClinVar (database versions not stated): TOPMed 0.00012; gnomAD 0.00005 and 0.00006; ExAC 0.00005.
gnomAD v4.1: 116 of 1,614,086 alleles (0.0072%); highest among the groups gnomAD compares: Admixed American, 0.018%; no homozygotes.

Submissions (5):

Ambry Genetics
Classification: Uncertain significance for Inborn genetic diseases. Last evaluated: 2025-11-24. Review status: criteria provided, single submitter. Criteria: Ambry Variant Classification Scheme 2023. Collection method: clinical testing. Allele origin: germline.

GeneDx
Classification: Uncertain significance. Last evaluated: 2024-07-03. Review status: criteria provided, single submitter. Criteria: GeneDx Variant Classification Process June 2021. Collection method: clinical testing. Allele origin: germline. Affected: yes.
Comment: In silico analysis supports that this missense variant has a deleterious effect on protein structure/function; Has not been previously published as pathogenic or benign to our knowledge

Blueprint Genetics
Classification: Uncertain significance. Last evaluated: 2024-04-18. Review status: criteria provided, single submitter. Criteria: ACMG Guidelines, 2015. Collection method: clinical testing. Allele origin: germline.

Labcorp Genetics (formerly Invitae), Labcorp
Classification: Uncertain significance. Last evaluated: 2022-10-27. Review status: criteria provided, single submitter. Criteria: Invitae Variant Classification Sherloc (09022015). Collection method: clinical testing. Allele origin: germline.
Comment: This sequence change replaces alanine, which is neutral and non-polar, with threonine, which is neutral and polar, at codon 192 of the PHYH protein (p.Ala192Thr). This variant is present in population databases (rs751660253, gnomAD 0.02%). This variant has not been reported in the literature in individuals affected with PHYH-related conditions. ClinVar contains an entry for this variant (Variation ID: 299253). Advanced modeling of protein sequence and biophysical properties (such as structural, functional, and spatial information, amino acid conservation, physicochemical variation, residue mobility, and thermodynamic stability) performed at Invitae indicates that this missense variant is not expected to disrupt PHYH protein function. In summary, the available evidence is currently insufficient to determine the role of this variant in disease. Therefore, it has been classified as a Variant of Uncertain Significance.

Illumina Laboratory Services, Illumina
Classification: Uncertain significance for Refsum disease, classic. Last evaluated: 2018-01-12. Review status: criteria provided, single submitter. Criteria: ICSL Variant Classification Criteria 13 December 2019. Collection method: clinical testing. Allele origin: germline.

NM_006214.4(PHYH):c.574G>A (p.Ala192Thr)

Gene: PHYH (phytanoyl-CoA 2-hydroxylase; minus strand). Cytogenetic location: 10p13.
Variant type: single nucleotide variant.
Coding change: c.574G>A on transcript NM_006214.4 (MANE Select); coding-DNA position 574, G replaced by A.
Protein change: p.Ala192Thr; replaces alanine 192 with threonine.
Molecular consequence: missense variant. On other transcripts: intron variant (1).
Genome position (GRCh38, 1-based): chr10:13,288,464, C>T on the plus strand (G>A on the coding strand, the complement: PHYH is on the minus strand). VCF-style: chr10-13288464-C-T. GRCh37 (hg19) VCF-style: chr10-13330464-C-T.
Other names: c.274G>A, p.Ala92Thr (NM_001037537.2, NM_001323080.2); c.580G>A, p.Ala194Thr (NM_001323082.2); c.280G>A, p.Ala94Thr (NM_001323084.2); c.415-4625G>A (NM_001323083.2); short protein forms A192T, A92T, A194T, A94T.
Identifiers: ClinVar variation 299253 (VCV000299253.16), dbSNP rs751660253, ClinGen allele CA5412312.